The following is an entry in ClinVar:

ClinVar aggregate classification (germline): Uncertain significance (1 of 4 stars; one submission).

Conditions:
Mosaic variegated aneuploidy syndrome 1 (MVA1). Also called: Warburton-Anyane-Yeboa syndrome. Identifiers: Orphanet 1052, MedGen C1850343, MONDO:0009759, OMIM 257300.

Allele frequency attached by ClinVar (database versions not stated): gnomAD 0.00002; TOPMed 0.00003.
gnomAD v4.1: 25 of 1,609,712 alleles (0.0016%); highest among the groups gnomAD compares: Middle Eastern, 0.017%; no homozygotes.

Submission:

Labcorp Genetics (formerly Invitae), Labcorp
Classification: Uncertain significance for Mosaic variegated aneuploidy syndrome 1. Last evaluated: 2025-03-31. Review status: criteria provided, single submitter. Criteria: Invitae Variant Classification Sherloc (09022015). Collection method: clinical testing. Allele origin: germline.
Comment: This sequence change falls in intron 13 of the BUB1B gene. It does not directly change the encoded amino acid sequence of the BUB1B protein. It affects a nucleotide within the consensus splice site. This variant is present in population databases (no rsID available, gnomAD 0.003%). This variant has not been reported in the literature in individuals affected with BUB1B-related conditions. ClinVar contains an entry for this variant (Variation ID: 465362). Variants that disrupt the consensus splice site are a relatively common cause of aberrant splicing (PMID: 17576681, 9536098). Algorithms developed to predict the effect of sequence changes on RNA splicing suggest that this variant is not likely to affect RNA splicing. In summary, the available evidence is currently insufficient to determine the role of this variant in disease. Therefore, it has been classified as a Variant of Uncertain Significance.

Literature cited by the submitters: PubMed 17576681; PubMed 9536098.

NM_001211.6(BUB1B):c.1628+4C>T

Gene: BUB1B (BUB1 mitotic checkpoint serine/threonine kinase B; plus strand). Cytogenetic location: 15q15.1.
Variant type: single nucleotide variant.
Coding change: c.1628+4C>T on transcript NM_001211.6 (MANE Select); 4 bases into the intron after coding-DNA position 1628, C replaced by T.
Molecular consequence: intron variant.
Genome position (GRCh38, 1-based): chr15:40,202,469, C>T. VCF-style: chr15-40202469-C-T. GRCh37 (hg19) VCF-style: chr15-40494670-C-T.
Identifiers: ClinVar variation 465362 (VCV000465362.7), dbSNP rs1029721957, ClinGen allele CA268796368.